The following is an entry in ClinVar:

ClinVar aggregate classification (germline): Uncertain significance (1 of 4 stars; one submission).

Submission:

Labcorp Genetics (formerly Invitae), Labcorp
Classification: Uncertain significance. Last evaluated: 2023-07-17. Review status: criteria provided, single submitter. Criteria: Invitae Variant Classification Sherloc (09022015). Collection method: clinical testing. Allele origin: germline.
Comment: In summary, the available evidence is currently insufficient to determine the role of this variant in disease. Therefore, it has been classified as a Variant of Uncertain Significance. Advanced modeling of protein sequence and biophysical properties (such as structural, functional, and spatial information, amino acid conservation, physicochemical variation, residue mobility, and thermodynamic stability) performed at Invitae indicates that this missense variant is expected to disrupt DUOX2 protein function. ClinVar contains an entry for this variant (Variation ID: 1520901). This variant has not been reported in the literature in individuals affected with DUOX2-related conditions. This variant is not present in population databases (gnomAD no frequency). This sequence change replaces aspartic acid, which is acidic and polar, with histidine, which is basic and polar, at codon 141 of the DUOX2 protein (p.Asp141His).

NM_001363711.2(DUOX2):c.421G>C (p.Asp141His)

Gene: DUOX2 (dual oxidase 2; minus strand). Cytogenetic location: 15q21.1.
Variant type: single nucleotide variant.
Coding change: c.421G>C on transcript NM_001363711.2 (MANE Select); coding-DNA position 421, G replaced by C.
Protein change: p.Asp141His; replaces aspartic acid 141 with histidine.
Molecular consequence: missense variant.
Genome position (GRCh38, 1-based): chr15:45,111,860, C>G on the plus strand (G>C on the coding strand, the complement: DUOX2 is on the minus strand). VCF-style: chr15-45111860-C-G. GRCh37 (hg19) VCF-style: chr15-45404058-C-G.
Other names: c.421G>C, p.Asp141His (NM_014080.5); short protein forms D141H.
Identifiers: ClinVar variation 1520901 (VCV001520901.8), dbSNP rs376160362, ClinGen allele CA392279349.